The following is an entry in ClinVar:

NM_000179.3(MSH6):c.3707C>G (p.Ala1236Gly)

Gene: MSH6 (mutS homolog 6; plus strand). Cytogenetic location: 2p16.3.
Variant type: single nucleotide variant.
Coding change: c.3707C>G on transcript NM_000179.3 (MANE Select); coding-DNA position 3707, C replaced by G.
Protein change: p.Ala1236Gly; replaces alanine 1236 with glycine.
Molecular consequence: missense variant.
Genome position (GRCh38, 1-based): chr2:47,806,264, C>G. VCF-style: chr2-47806264-C-G. GRCh37 (hg19) VCF-style: chr2-48033403-C-G.
Other names: c.3317C>G, p.Ala1106Gly (NM_001281492.2); c.2801C>G, p.Ala934Gly (NM_001281493.2, NM_001281494.2); short protein forms A1236G, A934G, A1106G.
Identifiers: ClinVar variation 1466689 (VCV001466689.8), dbSNP rs2104540584, ClinGen allele CA346760993.

ClinVar aggregate classification (germline): Uncertain significance (1 of 4 stars; one submission).

Conditions:
Hereditary nonpolyposis colorectal neoplasms. Identifiers: MedGen C0009405, MeSH D003123.

Submission:

Labcorp Genetics (formerly Invitae), Labcorp
Classification: Uncertain significance for Hereditary nonpolyposis colorectal neoplasms. Last evaluated: 2021-07-06. Review status: criteria provided, single submitter. Criteria: Invitae Variant Classification Sherloc (09022015). Collection method: clinical testing. Allele origin: germline.
Comment: This sequence change replaces alanine with glycine at codon 1236 of the MSH6 protein (p.Ala1236Gly). The alanine residue is moderately conserved and there is a small physicochemical difference between alanine and glycine. This variant is not present in population databases (ExAC no frequency). This variant has not been reported in the literature in individuals affected with MSH6-related conditions. Algorithms developed to predict the effect of missense changes on protein structure and function are either unavailable or do not agree on the potential impact of this missense change (SIFT: "Tolerated"; PolyPhen-2: "Probably Damaging"; Align-GVGD: "Class C0"). Algorithms developed to predict the effect of sequence changes on RNA splicing suggest that this variant may create or strengthen a splice site. In summary, the available evidence is currently insufficient to determine the role of this variant in disease. Therefore, it has been classified as a Variant of Uncertain Significance.